The following is an entry in ClinVar:

ClinVar aggregate classification (germline): Uncertain significance. Review status: criteria provided, multiple submitters, no conflicts (2 of 4 stars). 3 submissions from 3 submitters: Uncertain significance (3). Last evaluated 2025-12-16.

Conditions:
Ehlers-Danlos syndrome, type 4 (EDSVASC). Also called: Ehlers-Danlos syndrome vascular type; Ehlers Danlos syndrome, ecchymotic type; Ehlers Danlos syndrome, arterial type; Ehlers Danlos syndrome, Sack-Barabas type; Ehlers-Danlos Syndrome Type IV. Identifiers: Orphanet 286, MedGen C0268338, MONDO:0017314, OMIM 130050.
Familial thoracic aortic aneurysm and aortic dissection (TAAD). Also called: Thoracic aortic aneurysms and dissections. Identifiers: Orphanet 91387, MedGen C4707243, MONDO:0019625.

Allele frequency attached by ClinVar (database versions not stated): TOPMed below 0.00001; ExAC 0.00001; gnomAD 0.00001; gnomAD exomes 0.00001.
gnomAD v4.1: 21 of 1,611,866 alleles (0.0013%); highest among the groups gnomAD compares: Non-Finnish European, 0.0018%; no homozygotes.

Submissions (3):

Ambry Genetics
Classification: Uncertain significance for Familial thoracic aortic aneurysm and aortic dissection. Last evaluated: 2025-12-16. Review status: criteria provided, single submitter. Criteria: Ambry Variant Classification Scheme 2023. Collection method: clinical testing. Allele origin: germline.
Comment: The p.Q105E variant (also known as c.313C>G), located in coding exon 3 of the COL3A1 gene, results from a C to G substitution at nucleotide position 313. The glutamine at codon 105 is replaced by glutamic acid, an amino acid with highly similar properties. This amino acid position is conserved. In addition, this alteration is predicted to be tolerated by in silico analysis. Based on the available evidence, the clinical significance of this variant remains unclear.

All of Us Research Program, National Institutes of Health
Classification: Uncertain significance for Ehlers-Danlos syndrome, type 4. Last evaluated: 2024-02-22. Review status: criteria provided, single submitter. Criteria: ACMG Guidelines, 2015. Collection method: clinical testing. Allele origin: germline. Inheritance: Autosomal dominant inheritance. Observed: 2 variant alleles, 2 heterozygotes.
Comment: This missense variant replaces glutamine with glutamic acid at codon 105 of the COL3A1 protein. Computational prediction suggests that this variant may not impact protein structure and function (internally defined REVEL score threshold <= 0.5, PMID: 27666373). To our knowledge, functional studies have not been reported for this variant. This variant has not been reported in individuals affected with COL3A1-related disorders in the literature. This variant has been identified in 3/282098 chromosomes in the general population by the Genome Aggregation Database (gnomAD). The available evidence is insufficient to determine the role of this variant in disease conclusively. Therefore, this variant is classified as a Variant of Uncertain Significance.

This study involves interpretation of variants in research participants for the purpose of population health screening. Participant phenotype was not available at the time of variant classification. Additional details can be found in publication PMID: 35346344, PMCID: PMC8962531

Labcorp Genetics (formerly Invitae), Labcorp
Classification: Uncertain significance for Ehlers-Danlos syndrome, type 4. Last evaluated: 2024-01-10. Review status: criteria provided, single submitter. Criteria: Invitae Variant Classification Sherloc (09022015). Collection method: clinical testing. Allele origin: germline.
Comment: This sequence change replaces glutamine, which is neutral and polar, with glutamic acid, which is acidic and polar, at codon 105 of the COL3A1 protein (p.Gln105Glu). This variant is present in population databases (rs762567565, gnomAD 0.002%). This missense change has been observed in individual(s) with clinical features of COL3A1-related conditions (Invitae). ClinVar contains an entry for this variant (Variation ID: 1403753). Advanced modeling of protein sequence and biophysical properties (such as structural, functional, and spatial information, amino acid conservation, physicochemical variation, residue mobility, and thermodynamic stability) performed at Invitae indicates that this missense variant is not expected to disrupt COL3A1 protein function with a negative predictive value of 95%. In summary, the available evidence is currently insufficient to determine the role of this variant in disease. Therefore, it has been classified as a Variant of Uncertain Significance.

NM_000090.4(COL3A1):c.313C>G (p.Gln105Glu)

Gene: COL3A1 (collagen type III alpha 1 chain; plus strand). Cytogenetic location: 2q32.2.
Variant type: single nucleotide variant.
Coding change: c.313C>G on transcript NM_000090.4 (MANE Select); coding-DNA position 313, C replaced by G.
Protein change: p.Gln105Glu; replaces glutamine 105 with glutamic acid.
Molecular consequence: missense variant.
Genome position (GRCh38, 1-based): chr2:188,985,227, C>G. VCF-style: chr2-188985227-C-G. GRCh37 (hg19) VCF-style: chr2-189849953-C-G.
Other names: c.313C>G (NM_000090.3); short protein forms Q105E.
Identifiers: ClinVar variation 1403753 (VCV001403753.9), dbSNP rs762567565, ClinGen allele CA075889.